The following is an entry in ClinVar:

ClinVar aggregate classification (germline): Pathogenic (1 of 4 stars; one submission).

Conditions:
Cardiovascular phenotype. Identifiers: MedGen CN230736.

Submission:

Ambry Genetics
Classification: Pathogenic for Cardiovascular phenotype. Last evaluated: 2014-12-31. Review status: criteria provided, single submitter. Criteria: Ambry Variant Classification Scheme 2023. Collection method: clinical testing. Allele origin: germline.
Comment: The p.C382* variant (also known as c.1146C>A) located in coding exon 9 of the ENG gene, results from a C to A substitution at nucleotide position 1146. This changes the amino acid from a cysteine to a stop codon within coding exon 9. Since premature stop codons are typically deleterious in nature, this alteration is interpreted as a disease-causing mutation (ACMG Recommendations for Standards for Interpretation and Reporting of Sequence Variations. Revision 2007. Genet Med. 2008;10:294).

NM_001114753.3(ENG):c.1146C>A (p.Cys382Ter)

Genes: ENG (endoglin; minus strand), LOC102723566 (uncharacterized LOC102723566; plus strand). Cytogenetic location: 9q34.11.
Variant type: single nucleotide variant.
Coding change: c.1146C>A on transcript NM_001114753.3 (MANE Select); coding-DNA position 1146, C replaced by A.
Protein change: p.Cys382Ter; replaces cysteine 382 with a stop codon.
Molecular consequence: nonsense.
Genome position (GRCh38, 1-based): chr9:127,820,026, G>T on the plus strand (C>A on the coding strand, the complement: ENG is on the minus strand). VCF-style: chr9-127820026-G-T. GRCh37 (hg19) VCF-style: chr9-130582305-G-T.
Other names: c.1146C>A, p.Cys382Ter (NM_000118.4); c.600C>A, p.Cys200Ter (NM_001278138.2); short protein forms C200*, C382*.
Identifiers: ClinVar variation 1732529 (VCV001732529.2), dbSNP rs2539064456, ClinGen allele CA374978882.